The following is an entry in ClinVar:

NM_015202.5(KATNIP):c.931A>T (p.Met311Leu)

Gene: KATNIP (katanin interacting protein; plus strand). Cytogenetic location: 16p12.1.
Variant type: single nucleotide variant.
Coding change: c.931A>T on transcript NM_015202.5 (MANE Select); coding-DNA position 931, A replaced by T.
Protein change: p.Met311Leu; replaces methionine 311 with leucine.
Molecular consequence: missense variant.
Genome position (GRCh38, 1-based): chr16:27,681,521, A>T. VCF-style: chr16-27681521-A-T. GRCh37 (hg19) VCF-style: chr16-27692842-A-T.
Other names: c.931A>T (NM_015202.3); short protein forms M311L.
Identifiers: ClinVar variation 2074763 (VCV002074763.3), dbSNP rs573914753, ClinGen allele CA7977496.

ClinVar aggregate classification (germline): Uncertain significance. Review status: criteria provided, multiple submitters, no conflicts (2 of 4 stars). 2 submissions from 2 submitters: Uncertain significance (2). Last evaluated 2025-10-22.

Allele frequency attached by ClinVar (database versions not stated): ExAC 0.00002; gnomAD exomes 0.00003; TOPMed 0.00004; gnomAD 0.00006.
gnomAD v4.1: 51 of 1,614,030 alleles (0.0032%); highest among the groups gnomAD compares: South Asian, 0.0044%; no homozygotes.

Submissions (2):

Labcorp Genetics (formerly Invitae), Labcorp
Classification: Uncertain significance. Last evaluated: 2025-10-22. Review status: criteria provided, single submitter. Criteria: Invitae Variant Classification Sherloc (09022015). Collection method: clinical testing. Allele origin: germline.
Comment: This sequence change replaces methionine, which is neutral and non-polar, with leucine, which is neutral and non-polar, at codon 311 of the KIAA0556 protein (p.Met311Leu). This variant is present in population databases (rs573914753, gnomAD 0.007%). This variant has not been reported in the literature in individuals affected with KIAA0556-related conditions. ClinVar contains an entry for this variant (Variation ID: 2074763). An algorithm developed to predict the effect of missense changes on protein structure and function (PolyPhen-2) suggests that this variant is likely to be tolerated. In summary, the available evidence is currently insufficient to determine the role of this variant in disease. Therefore, it has been classified as a Variant of Uncertain Significance.

GeneDx
Classification: Uncertain significance. Last evaluated: 2023-10-13. Review status: criteria provided, single submitter. Criteria: GeneDx Variant Classification Process June 2021. Collection method: clinical testing. Allele origin: germline. Affected: yes.
Comment: In silico analysis supports that this missense variant does not alter protein structure/function; Has not been previously published as pathogenic or benign to our knowledge